The following is an entry in ClinVar:

ClinVar aggregate classification (germline): Conflicting classifications of pathogenicity. Review status: criteria provided, conflicting classifications (1 of 4 stars). 2 submissions from 2 submitters: Uncertain significance (1); Likely benign (1). Last evaluated 2024-09-09.

Conditions:
Hereditary cancer-predisposing syndrome. Also called: Neoplastic Syndromes, Hereditary; Hereditary Cancer Syndrome; Tumor predisposition; Hereditary neoplastic syndrome. Identifiers: Orphanet 140162, MedGen C0027672, MeSH D009386, MONDO:0015356.

Submissions (2):

Ambry Genetics
Classification: Likely benign for Hereditary cancer-predisposing syndrome. Last evaluated: 2024-09-09. Review status: criteria provided, single submitter. Criteria: Ambry Variant Classification Scheme 2023. Collection method: clinical testing. Allele origin: germline.

Labcorp Genetics (formerly Invitae), Labcorp
Classification: Uncertain significance. Last evaluated: 2018-04-09. Review status: criteria provided, single submitter. Criteria: Invitae Variant Classification Sherloc (09022015). Collection method: clinical testing. Allele origin: germline.
Comment: This sequence change affects codon 345 of the FH mRNA. It is a 'silent' change, meaning that it does not change the encoded amino acid sequence of the FH protein. This variant is not present in population databases (ExAC no frequency). This variant has not been reported in the literature in individuals with FH-related disease. Algorithms developed to predict the effect of sequence changes on RNA splicing suggest that this variant may create or strengthen a splice site, but this prediction has not been confirmed by published transcriptional studies. In summary, the available evidence is currently insufficient to determine the role of this variant in disease. Therefore, it has been classified as a Variant of Uncertain Significance.

NM_000143.4(FH):c.1035G>A (p.Leu345=)

Gene: FH (fumarate hydratase; minus strand). Cytogenetic location: 1q43.
Variant type: single nucleotide variant.
Coding change: c.1035G>A on transcript NM_000143.4 (MANE Select); coding-DNA position 1035, G replaced by A.
Protein change: p.Leu345=; no amino-acid change (leucine 345 retained).
Molecular consequence: synonymous variant.
Genome position (GRCh38, 1-based): chr1:241,504,115, C>T on the plus strand (G>A on the coding strand, the complement: FH is on the minus strand). VCF-style: chr1-241504115-C-T. GRCh37 (hg19) VCF-style: chr1-241667415-C-T.
Identifiers: ClinVar variation 574412 (VCV000574412.10), dbSNP rs1558397757, ClinGen allele CA424075781.